The following is an entry in ClinVar:

ClinVar aggregate classification (germline): Uncertain significance (1 of 4 stars; one submission).

Conditions:
Inborn genetic diseases. Identifiers: MedGen C0950123, MeSH D030342.

Submission:

Ambry Genetics
Classification: Uncertain significance for Inborn genetic diseases. Last evaluated: 2026-04-27. Review status: criteria provided, single submitter. Criteria: Ambry Variant Classification Scheme 2023. Collection method: clinical testing. Allele origin: germline.
Comment: The p.A20S variant (also known as c.58G>T), located in coding exon 1 of the HEXA gene, results from a G to T substitution at nucleotide position 58. The alanine at codon 20 is replaced by serine, an amino acid with similar properties. This amino acid position is conserved. In addition, the in silico prediction for this alteration is inconclusive. Based on the available evidence, the clinical significance of this variant remains unclear.

NM_000520.6(HEXA):c.58G>T (p.Ala20Ser)

Gene: HEXA (hexosaminidase subunit alpha; minus strand). Cytogenetic location: 15q23.
Variant type: single nucleotide variant.
Coding change: c.58G>T on transcript NM_000520.6 (MANE Select); coding-DNA position 58, G replaced by T.
Protein change: p.Ala20Ser; replaces alanine 20 with serine.
Molecular consequence: missense variant. On other transcripts: non-coding transcript variant (1).
Genome position (GRCh38, 1-based): chr15:72,375,915, C>A on the plus strand (G>T on the coding strand, the complement: HEXA is on the minus strand). VCF-style: chr15-72375915-C-A. GRCh37 (hg19) VCF-style: chr15-72668256-C-A.
Other names: c.58G>T, p.Ala20Ser (NM_001318825.2); short protein forms A20S.
Identifiers: ClinVar variation 4858348 (VCV004858348.1).